The following is an entry in ClinVar:

NM_015662.3(IFT172):c.873C>T (p.Ala291=)

Gene: IFT172 (intraflagellar transport 172; minus strand). Cytogenetic location: 2p23.3.
Variant type: single nucleotide variant.
Coding change: c.873C>T on transcript NM_015662.3 (MANE Select); coding-DNA position 873, C replaced by T.
Protein change: p.Ala291=; no amino-acid change (alanine 291 retained).
Molecular consequence: synonymous variant.
Genome position (GRCh38, 1-based): chr2:27,480,062, G>A on the plus strand (C>T on the coding strand, the complement: IFT172 is on the minus strand). VCF-style: chr2-27480062-G-A. GRCh37 (hg19) VCF-style: chr2-27702929-G-A.
Other names: c.873C>T, p.Ala291= (NM_001410739.1).
Identifiers: ClinVar variation 4983007 (VCV004983007.1).

ClinVar aggregate classification (germline): Likely benign (1 of 4 stars; one submission).

Conditions:
IFT172-related disorder. Also called: IFT172-related disorders; IFT172-related condition.

gnomAD v4.1: 2 of 1,613,798 alleles (0.00012%); highest among the groups gnomAD compares: Non-Finnish European, 0.000085%; no homozygotes.

Submission:

PreventionGenetics, part of Exact Sciences
Classification: Likely benign for IFT172-related condition. Last evaluated: 2025-03-19. Review status: criteria provided, single submitter. Criteria: ACMG Guidelines, 2015. Collection method: clinical testing. Allele origin: germline.
Comment: This variant is classified as likely benign based on ACMG/AMP sequence variant interpretation guidelines (Richards et al. 2015 PMID: 25741868, with internal and published modifications).